The following is an entry in ClinVar:

ClinVar aggregate classification (germline): Uncertain significance. Review status: criteria provided, multiple submitters, no conflicts (2 of 4 stars). 2 submissions from 2 submitters: Uncertain significance (2). Last evaluated 2024-02-13.

Allele frequency attached by ClinVar (database versions not stated): TOPMed below 0.00001; ExAC 0.00001; gnomAD 0.00001; gnomAD exomes 0.00001.
gnomAD v4.1: 20 of 1,591,554 alleles (0.0013%); highest among the groups gnomAD compares: East Asian, 0.0023%; no homozygotes.

Submissions (2):

Labcorp Genetics (formerly Invitae), Labcorp
Classification: Uncertain significance. Last evaluated: 2024-02-13. Review status: criteria provided, single submitter. Criteria: Invitae Variant Classification Sherloc (09022015). Collection method: clinical testing. Allele origin: germline.
Comment: This sequence change replaces arginine, which is basic and polar, with cysteine, which is neutral and slightly polar, at codon 75 of the RASA2 protein (p.Arg75Cys). The frequency data for this variant in the population databases is considered unreliable, as metrics indicate poor data quality at this position in the gnomAD database. This variant has not been reported in the literature in individuals affected with RASA2-related conditions. ClinVar contains an entry for this variant (Variation ID: 1788248). Advanced modeling of protein sequence and biophysical properties (such as structural, functional, and spatial information, amino acid conservation, physicochemical variation, residue mobility, and thermodynamic stability) performed at Invitae indicates that this missense variant is expected to disrupt RASA2 protein function with a positive predictive value of 80%. In summary, the available evidence is currently insufficient to determine the role of this variant in disease. Therefore, it has been classified as a Variant of Uncertain Significance.

Ambry Genetics
Classification: Uncertain significance. Last evaluated: 2022-01-07. Review status: criteria provided, single submitter. Criteria: Ambry Variant Classification Scheme 2023. Collection method: clinical testing. Allele origin: germline.
Comment: The p.R75C variant (also known as c.223C>T), located in coding exon 2 of the RASA2 gene, results from a C to T substitution at nucleotide position 223. The arginine at codon 75 is replaced by cysteine, an amino acid with highly dissimilar properties. This amino acid position is conserved. In addition, this alteration is predicted to be deleterious by in silico analysis. Since supporting evidence is limited at this time, the clinical significance of this alteration remains unclear.

NM_006506.5(RASA2):c.223C>T (p.Arg75Cys)

Gene: RASA2 (RAS p21 protein activator 2; plus strand). Cytogenetic location: 3q23.
Variant type: single nucleotide variant.
Coding change: c.223C>T on transcript NM_006506.5 (MANE Select); coding-DNA position 223, C replaced by T.
Protein change: p.Arg75Cys; replaces arginine 75 with cysteine.
Molecular consequence: missense variant.
Genome position (GRCh38, 1-based): chr3:141,512,252, C>T. VCF-style: chr3-141512252-C-T. GRCh37 (hg19) VCF-style: chr3-141231094-C-T.
Other names: c.223C>T, p.Arg75Cys (NM_001303245.3, NM_001303246.3); short protein forms R75C.
Identifiers: ClinVar variation 1788248 (VCV001788248.4), dbSNP rs773584568, ClinGen allele CA2645125.